The following is an entry in ClinVar:

ClinVar aggregate classification (germline): Uncertain significance (1 of 4 stars; one submission).

Conditions:
Cardiovascular phenotype. Identifiers: MedGen CN230736.

Allele frequency attached by ClinVar (database versions not stated): gnomAD exomes below 0.00001.
gnomAD v4.1: 1 of 1,612,590 alleles (0.000062%); highest among the groups gnomAD compares: Non-Finnish European, 0.000085%; no homozygotes.

Submission:

Ambry Genetics
Classification: Uncertain significance for Cardiovascular phenotype. Last evaluated: 2019-06-21. Review status: criteria provided, single submitter. Criteria: Ambry Variant Classification Scheme 2023. Collection method: clinical testing. Allele origin: germline.
Comment: The p.Q7634R variant (also known as c.22901A>G), located in coding exon 93 of the TTN gene, results from an A to G substitution at nucleotide position 22901. The glutamine at codon 7634 is replaced by arginine, an amino acid with highly similar properties. This amino acid position is highly conserved in available vertebrate species. In addition, this alteration is predicted to be tolerated by in silico analysis. Since supporting evidence is limited at this time, the clinical significance of this alteration remains unclear.

NM_001267550.2(TTN):c.50096A>G (p.Gln16699Arg)

Genes: TTN (titin; minus strand), TTN-AS1 (TTN antisense RNA 1; plus strand). Cytogenetic location: 2q31.2.
Variant type: single nucleotide variant.
Coding change: c.50096A>G on transcript NM_001267550.2 (MANE Select); coding-DNA position 50096, A replaced by G.
Protein change: p.Gln16699Arg; replaces glutamine 16699 with arginine.
Molecular consequence: missense variant.
Genome position (GRCh38, 1-based): chr2:178,612,429, T>C on the plus strand (A>G on the coding strand, the complement: TTN is on the minus strand). VCF-style: chr2-178612429-T-C. GRCh37 (hg19) VCF-style: chr2-179477156-T-C.
Other names: c.45173A>G, p.Gln15058Arg (NM_001256850.1); c.22901A>G, p.Gln7634Arg (NM_003319.4); c.42392A>G, p.Gln14131Arg (NM_133378.4); c.23276A>G, p.Gln7759Arg (NM_133432.3); c.23477A>G, p.Gln7826Arg (NM_133437.4); short protein forms Q15058R, Q16699R, Q7759R, Q14131R, Q7634R, Q7826R.
Identifiers: ClinVar variation 1789097 (VCV001789097.2), dbSNP rs2470540017, ClinGen allele CA349599284.